The following is an entry in ClinVar:

NM_206933.4(USH2A):c.11828G>C (p.Arg3943Thr)

Gene: USH2A (usherin; minus strand). Cytogenetic location: 1q41.
Variant type: single nucleotide variant.
Coding change: c.11828G>C on transcript NM_206933.4 (MANE Select); coding-DNA position 11828, G replaced by C.
Protein change: p.Arg3943Thr; replaces arginine 3943 with threonine.
Molecular consequence: missense variant.
Genome position (GRCh38, 1-based): chr1:215,728,268, C>G on the plus strand (G>C on the coding strand, the complement: USH2A is on the minus strand). VCF-style: chr1-215728268-C-G. GRCh37 (hg19) VCF-style: chr1-215901610-C-G.
Other names: short protein forms R3943T.
Identifiers: ClinVar variation 1964597 (VCV001964597.2), dbSNP rs1297122035, ClinGen allele CA344829082.

ClinVar aggregate classification (germline): Uncertain significance (1 of 4 stars; one submission).

Allele frequency attached by ClinVar (database versions not stated): TOPMed below 0.00001; gnomAD 0.00001.
gnomAD v4.1: 8 of 1,614,026 alleles (0.0005%); highest among the groups gnomAD compares: East Asian, 0.018%; no homozygotes.

Submission:

Labcorp Genetics (formerly Invitae), Labcorp
Classification: Uncertain significance. Last evaluated: 2021-08-11. Review status: criteria provided, single submitter. Criteria: Invitae Variant Classification Sherloc (09022015). Collection method: clinical testing. Allele origin: germline.
Comment: This sequence change replaces arginine with threonine at codon 3943 of the USH2A protein (p.Arg3943Thr). The arginine residue is highly conserved and there is a moderate physicochemical difference between arginine and threonine. This variant is not present in population databases (ExAC no frequency). This variant has not been reported in the literature in individuals affected with USH2A-related conditions. Algorithms developed to predict the effect of missense changes on protein structure and function are either unavailable or do not agree on the potential impact of this missense change (SIFT: "Deleterious"; PolyPhen-2: "Benign"; Align-GVGD: "Class C65"). In summary, the available evidence is currently insufficient to determine the role of this variant in disease. Therefore, it has been classified as a Variant of Uncertain Significance.